The following is an entry in ClinVar:

NM_014363.6(SACS):c.4108C>T (p.Gln1370Ter)

Gene: SACS (sacsin molecular chaperone; minus strand). Cytogenetic location: 13q12.12.
Variant type: single nucleotide variant.
Coding change: c.4108C>T on transcript NM_014363.6 (MANE Select); coding-DNA position 4108, C replaced by T.
Protein change: p.Gln1370Ter; replaces glutamine 1370 with a stop codon.
Molecular consequence: nonsense.
Genome position (GRCh38, 1-based): chr13:23,339,768, G>A on the plus strand (C>T on the coding strand, the complement: SACS is on the minus strand). VCF-style: chr13-23339768-G-A. GRCh37 (hg19) VCF-style: chr13-23913907-G-A.
Other names: c.3667C>T, p.Gln1223Ter (NM_001278055.2); c.4108C>T (NM_014363.5); short protein forms Q1223*, Q1370*.
Identifiers: ClinVar variation 3236329 (VCV003236329.2).
Genomic context (GRCh38, chr13:23,339,768, plus strand): 5'-GTTTAGAAGGATTTTTGCTATGATGTATAGGAACTGGTGTGTTGGGGCTTGCTGGAATCT[G>A]ATTGCTATACAGCCATCTGATAATATTCAACATAAGATGAAGATTTTGTTTGCTTTCTTG-3'

ClinVar aggregate classification (germline): Pathogenic/Likely pathogenic. Review status: criteria provided, multiple submitters, no conflicts (2 of 4 stars). 2 submissions from 2 submitters: Pathogenic (1); Likely pathogenic (1). Last evaluated 2025-05-14.

Conditions:
Charlevoix-Saguenay spastic ataxia (SACS). Also called: Spastic ataxia of Charlevoix-Saguenay; SPASTIC ATAXIA 6, AUTOSOMAL RECESSIVE; AUTOSOMAL RECESSIVE SPASTIC ATAXIA OF CHARLEVOIX-SAGUENAY. Identifiers: Orphanet 98, MedGen C1849140, MONDO:0010041, OMIM 270550.

Submissions (2):

Natera, Inc.
Classification: Likely pathogenic for Charlevoix-Saguenay type spastic ataxia. Last evaluated: 2025-05-14. Review status: criteria provided, single submitter. Criteria: Natera Variant Classification Schema (03/2026). Collection method: clinical testing. Allele origin: germline.
Comment: The c.4108C>T variant in SACS is a nonsense variant predicted to introduce a stop codon at amino acid 1370. This variant is expected to result in nonsense mediated decay, truncation, or a dysfunctional protein product. This variant is rare in the general population with a frequency below the threshold expected for the associated phenotype(s). This variant has been observed in one or more individuals affected with the associated recessive disease, as either homozygous or compound heterozygous with a second variant (PMID: 14718707, 22805644). Given the available evidence, this variant is classified as Likely Pathogenic.

PROSPAX: an integrated multimodal progression  chart in spastic ataxias, Center for Neurology; Hertie-Institute for Clinical Brain Research
Classification: Pathogenic for Charlevoix-Saguenay spastic ataxia. Last evaluated: 2022-01-01. Review status: criteria provided, single submitter. Criteria: ACMG Guidelines, 2015. Collection method: research. Allele origin: germline. Affected: yes. Observed: 1 variant allele, 1 compound heterozygote.

Literature cited by the submitters: PubMed 14718707 (cited by Natera, Inc.); PubMed 22805644 (cited by Natera, Inc.).